The following is an entry in ClinVar:

NM_053013.4(ENO3):c.772G>A (p.Asp258Asn)

Gene: ENO3 (enolase 3; plus strand). Cytogenetic location: 17p13.2.
Variant type: single nucleotide variant.
Coding change: c.772G>A on transcript NM_053013.4 (MANE Select); coding-DNA position 772, G replaced by A.
Protein change: p.Asp258Asn; replaces aspartic acid 258 with asparagine.
Molecular consequence: missense variant.
Genome position (GRCh38, 1-based): chr17:4,955,511, G>A. VCF-style: chr17-4955511-G-A. GRCh37 (hg19) VCF-style: chr17-4858806-G-A.
Other names: c.643G>A, p.Asp215Asn (NM_001193503.2); c.772G>A, p.Asp258Asn (NM_001374523.1, NM_001976.5); c.799G>A, p.Asp267Asn (NM_001374524.1); short protein forms D215N, D258N, D267N.
Identifiers: ClinVar variation 1040382 (VCV001040382.8), dbSNP rs772780015, ClinGen allele CA397291403.

ClinVar aggregate classification (germline): Uncertain significance (1 of 4 stars; one submission).

Conditions:
Glycogen storage disease due to muscle beta-enolase deficiency (GSD13). Also called: Glycogen Storage Disease Type XIII; ENOLASE 3 DEFICIENCY; ENOLASE-BETA DEFICIENCY; GSD XIII. Identifiers: Orphanet 99849, MedGen C2752027, MONDO:0013046, OMIM 612932.

Allele frequency attached by ClinVar (database versions not stated): TOPMed 0.00001.
gnomAD v4.1: 15 of 1,614,106 alleles (0.00093%); highest among the groups gnomAD compares: South Asian, 0.0077%; no homozygotes.

Submission:

Labcorp Genetics (formerly Invitae), Labcorp
Classification: Uncertain significance for Glycogen storage disease due to muscle beta-enolase deficiency. Last evaluated: 2022-06-13. Review status: criteria provided, single submitter. Criteria: Invitae Variant Classification Sherloc (09022015). Collection method: clinical testing. Allele origin: germline.
Comment: This variant has not been reported in the literature in individuals affected with ENO3-related conditions. This variant is present in population databases (no rsID available, gnomAD 0.003%). This sequence change replaces aspartic acid, which is acidic and polar, with asparagine, which is neutral and polar, at codon 258 of the ENO3 protein (p.Asp258Asn). ClinVar contains an entry for this variant (Variation ID: 1040382). In summary, the available evidence is currently insufficient to determine the role of this variant in disease. Therefore, it has been classified as a Variant of Uncertain Significance. Algorithms developed to predict the effect of missense changes on protein structure and function are either unavailable or do not agree on the potential impact of this missense change (SIFT: "Deleterious"; PolyPhen-2: "Possibly Damaging"; Align-GVGD: "Class C0").